The following is an entry in ClinVar:

ClinVar aggregate classification (germline): Uncertain significance (1 of 4 stars; one submission).

Conditions:
Fanconi anemia complementation group J. Also called: BRIP1-Related Fanconi Anemia. Identifiers: Orphanet 84, MedGen C1836860, MONDO:0012187, OMIM 609054.
Familial cancer of breast. Also called: hereditary breast carcinoma; Hereditary breast cancer; BREAST CANCER, FAMILIAL. Identifiers: Orphanet 227535, MedGen C0346153, MONDO:0016419, OMIM 114480. Disease mechanism: loss of function.

Submission:

Labcorp Genetics (formerly Invitae), Labcorp
Classification: Uncertain significance for Familial cancer of breast; Fanconi anemia complementation group J. Last evaluated: 2025-07-30. Review status: criteria provided, single submitter. Criteria: Invitae Variant Classification Sherloc (09022015). Collection method: clinical testing. Allele origin: germline.
Comment: This sequence change replaces lysine, which is basic and polar, with asparagine, which is neutral and polar, at codon 950 of the BRIP1 protein (p.Lys950Asn). This variant is not present in population databases (gnomAD no frequency). This variant has not been reported in the literature in individuals affected with BRIP1-related conditions. ClinVar contains an entry for this variant (Variation ID: 654214). Invitae Evidence Modeling of protein sequence and biophysical properties (such as structural, functional, and spatial information, amino acid conservation, physicochemical variation, residue mobility, and thermodynamic stability) indicates that this missense variant is not expected to disrupt BRIP1 protein function with a negative predictive value of 95%. In summary, the available evidence is currently insufficient to determine the role of this variant in disease. Therefore, it has been classified as a Variant of Uncertain Significance.

NM_032043.3(BRIP1):c.2850A>C (p.Lys950Asn)

Gene: BRIP1 (BRCA1 interacting DNA helicase 1; minus strand). Cytogenetic location: 17q23.2.
Variant type: single nucleotide variant.
Coding change: c.2850A>C on transcript NM_032043.3 (MANE Select); coding-DNA position 2850, A replaced by C.
Protein change: p.Lys950Asn; replaces lysine 950 with asparagine.
Molecular consequence: missense variant.
Genome position (GRCh38, 1-based): chr17:61,685,891, T>G on the plus strand (A>C on the coding strand, the complement: BRIP1 is on the minus strand). VCF-style: chr17-61685891-T-G. GRCh37 (hg19) VCF-style: chr17-59763252-T-G.
Other names: short protein forms K950N.
Identifiers: ClinVar variation 654214 (VCV000654214.9), dbSNP rs1603276576, ClinGen allele CA400481327.